The following is an entry in ClinVar:

NM_152564.5(VPS13B):c.10926C>A (p.Ile3642=)

Gene: VPS13B (vacuolar protein sorting 13 homolog B; plus strand). Cytogenetic location: 8q22.2.
Variant type: single nucleotide variant.
Coding change: c.10926C>A on transcript NM_152564.5 (MANE Select); coding-DNA position 10926, C replaced by A.
Protein change: p.Ile3642=; no amino-acid change (isoleucine 3642 retained).
Molecular consequence: synonymous variant.
Genome position (GRCh38, 1-based): chr8:99,859,362, C>A. VCF-style: chr8-99859362-C-A. GRCh37 (hg19) VCF-style: chr8-100871590-C-A.
Other names: c.10926C>A (NM_152564.4); c.11001C>A, p.Ile3667= (NM_017890.5).
Identifiers: ClinVar variation 751937 (VCV000751937.13), dbSNP rs753373848, ClinGen allele CA4825069.

ClinVar aggregate classification (germline): Likely benign. Review status: criteria provided, multiple submitters, no conflicts (2 of 4 stars). 3 submissions from 3 submitters: Likely benign (2). 1 of the submissions does not count toward it. Last evaluated 2024-10-17.

Conditions:
VPS13B-related disorder. Also called: VPS13B-related condition.
Cohen syndrome (COH1). Also called: Cutis verticis gyrata, retinitis pigmentosa, and sensorineural deafness; PEPPER SYNDROME. Identifiers: Orphanet 193, MedGen C0265223, MONDO:0008999, OMIM 216550.

Allele frequency attached by ClinVar (database versions not stated): TOPMed below 0.00001; gnomAD 0.00001; gnomAD exomes 0.00001; ExAC 0.00002.
gnomAD v4.1: 22 of 1,613,944 alleles (0.0014%); highest among the groups gnomAD compares: Non-Finnish European, 0.0019%; no homozygotes.

Submissions (3):

Labcorp Genetics (formerly Invitae), Labcorp
Classification: Likely benign for Cohen syndrome. Last evaluated: 2024-10-17. Review status: criteria provided, single submitter. Criteria: Invitae Variant Classification Sherloc (09022015). Collection method: clinical testing. Allele origin: germline.

Blueprint Genetics
Classification: Likely benign. Last evaluated: 2022-07-11. Review status: criteria provided, single submitter. Criteria: ACMG Guidelines, 2015. Collection method: clinical testing. Allele origin: germline.

PreventionGenetics, part of Exact Sciences
Classification: Likely benign for VPS13B-related condition. Last evaluated: 2023-01-04. Review status: no assertion criteria provided. Collection method: clinical testing. Allele origin: germline. Not counted in ClinVar's aggregate classification.
Comment: This variant is classified as likely benign based on ACMG/AMP sequence variant interpretation guidelines (Richards et al. 2015 PMID: 25741868, with internal and published modifications).